The following is an entry in ClinVar:

NM_001164508.2(NEB):c.5311C>T (p.Leu1771Phe)

Gene: NEB (nebulin; minus strand). Cytogenetic location: 2q23.3.
Variant type: single nucleotide variant.
Coding change: c.5311C>T on transcript NM_001164508.2 (MANE Select); coding-DNA position 5311, C replaced by T.
Protein change: p.Leu1771Phe; replaces leucine 1771 with phenylalanine.
Molecular consequence: missense variant.
Genome position (GRCh38, 1-based): chr2:151,664,791, G>A on the plus strand (C>T on the coding strand, the complement: NEB is on the minus strand). VCF-style: chr2-151664791-G-A. GRCh37 (hg19) VCF-style: chr2-152521305-G-A.
Other names: c.5311C>T, p.Leu1771Phe (NM_001164507.2, NM_001271208.2, NM_004543.5); short protein forms L1771F.
Identifiers: ClinVar variation 1951556 (VCV001951556.5), dbSNP rs779589042, ClinGen allele CA1910396.
Genomic context (GRCh38, chr2:151,664,791, plus strand): 5'-CAGCTTTTGCTGTTGTTAACCTACTTACATCACTCATGGTGATTTGGTTTACTCTGGAGA[G>A]TAAAATATCCGGTGTGTCAGGCATGACATGAATGGTGGTCTTGTCCTTGTTCCATTTTTC-3'
Protein context (NP_001157980.2, residues 1761-1781): HVMPDTPDIL[Leu1771Phe]SRVNQITMSD

ClinVar aggregate classification (germline): Uncertain significance (1 of 4 stars; one submission).

Conditions:
Nemaline myopathy 2 (NEM2). Also called: Nemaline myopathy 2, autosomal recessive. Identifiers: MedGen C1850569, MONDO:0009725, OMIM 256030.

Allele frequency attached by ClinVar (database versions not stated): gnomAD exomes below 0.00001; ExAC 0.00001.
gnomAD v4.1: 2 of 1,612,678 alleles (0.00012%); highest among the groups gnomAD compares: Non-Finnish European, 0.00017%; no homozygotes.

Submission:

Labcorp Genetics (formerly Invitae), Labcorp
Classification: Uncertain significance for Nemaline myopathy 2. Last evaluated: 2024-02-24. Review status: criteria provided, single submitter. Criteria: Invitae Variant Classification Sherloc (09022015). Collection method: clinical testing. Allele origin: germline.
Comment: This sequence change replaces leucine, which is neutral and non-polar, with phenylalanine, which is neutral and non-polar, at codon 1771 of the NEB protein (p.Leu1771Phe). This variant is present in population databases (rs779589042, gnomAD 0.0009%). This variant has not been reported in the literature in individuals affected with NEB-related conditions. ClinVar contains an entry for this variant (Variation ID: 1951556). Experimental studies and prediction algorithms are not available or were not evaluated, and the functional significance of this variant is currently unknown. In summary, the available evidence is currently insufficient to determine the role of this variant in disease. Therefore, it has been classified as a Variant of Uncertain Significance.